The following is an entry in ClinVar:

NM_031935.3(HMCN1):c.9916A>G (p.Ile3306Val)

Gene: HMCN1 (hemicentin 1; plus strand). Cytogenetic location: 1q31.1.
Variant type: single nucleotide variant.
Coding change: c.9916A>G on transcript NM_031935.3 (MANE Select); coding-DNA position 9916, A replaced by G.
Protein change: p.Ile3306Val; replaces isoleucine 3306 with valine.
Molecular consequence: missense variant.
Genome position (GRCh38, 1-based): chr1:186,093,162, A>G. VCF-style: chr1-186093162-A-G. GRCh37 (hg19) VCF-style: chr1-186062294-A-G.
Other names: short protein forms I3306V.
Identifiers: ClinVar variation 2178107 (VCV002178107.4), dbSNP rs143378423, ClinGen allele CA1293589.

ClinVar aggregate classification (germline): Uncertain significance (1 of 4 stars; one submission).

Allele frequency attached by ClinVar (database versions not stated): ESP Exome Variant Server 0.00008.
gnomAD v4.1: 5 of 1,613,354 alleles (0.00031%); highest among the groups gnomAD compares: South Asian, 0.0011%; no homozygotes.

Submission:

Labcorp Genetics (formerly Invitae), Labcorp
Classification: Uncertain significance. Last evaluated: 2022-11-22. Review status: criteria provided, single submitter. Criteria: Invitae Variant Classification Sherloc (09022015). Collection method: clinical testing. Allele origin: germline.
Comment: In summary, the available evidence is currently insufficient to determine the role of this variant in disease. Therefore, it has been classified as a Variant of Uncertain Significance. Algorithms developed to predict the effect of missense changes on protein structure and function are either unavailable or do not agree on the potential impact of this missense change (SIFT: "Tolerated"; PolyPhen-2: "Probably Damaging"; Align-GVGD: "Class C0"). This variant has not been reported in the literature in individuals affected with HMCN1-related conditions. This variant is present in population databases (rs143378423, gnomAD 0.003%). This sequence change replaces isoleucine, which is neutral and non-polar, with valine, which is neutral and non-polar, at codon 3306 of the HMCN1 protein (p.Ile3306Val).